The following is an entry in ClinVar:

NM_053025.4(MYLK):c.3949G>A (p.Gly1317Ser)

Gene: MYLK (myosin light chain kinase; minus strand). Cytogenetic location: 3q21.1.
Variant type: single nucleotide variant.
Coding change: c.3949G>A on transcript NM_053025.4 (MANE Select); coding-DNA position 3949, G replaced by A.
Protein change: p.Gly1317Ser; replaces glycine 1317 with serine.
Molecular consequence: missense variant.
Genome position (GRCh38, 1-based): chr3:123,664,141, C>T on the plus strand (G>A on the coding strand, the complement: MYLK is on the minus strand). VCF-style: chr3-123664141-C-T. GRCh37 (hg19) VCF-style: chr3-123382988-C-T.
Other names: c.3949G>A (NM_053025.3); c.3421G>A, p.Gly1141Ser (NM_001321309.2); c.3742G>A, p.Gly1248Ser (NM_053026.4, NM_053028.4); c.3949G>A, p.Gly1317Ser (NM_053027.4); short protein forms G1141S, G1248S, G1317S.
Identifiers: ClinVar variation 3705826 (VCV003705826.3).
Genomic context (GRCh38, chr3:123,664,141, plus strand): 5'-ATGCCACCCAGCCACCAGACTCACCCACGACAGTGAGGTTGACCTGGGCCTGCCTGCTGC[C>T]CAGCTTGTTCTCCACCAGCAGTGTGTAGCAGCCGCAGTGCTCCTGGCGCGCGGCCAGGAT-3'
Protein context (NP_444253.3, residues 1307-1327): CYTLLVENKL[Gly1317Ser]SRQAQVNLTV

ClinVar aggregate classification (germline): Uncertain significance. Review status: criteria provided, multiple submitters, no conflicts (2 of 4 stars). 2 submissions from 2 submitters: Uncertain significance (2). Last evaluated 2026-03-23.

Conditions:
Familial thoracic aortic aneurysm and aortic dissection (TAAD). Also called: Thoracic aortic aneurysms and dissections. Identifiers: Orphanet 91387, MedGen C4707243, MONDO:0019625.
Aortic aneurysm, familial thoracic 7 (AAT7). Also called: AORTIC DISSECTION, FAMILIAL, WITH OR WITHOUT AORTIC ANEURYSM. Identifiers: MedGen C3151077, MONDO:0013418, OMIM 613780.

gnomAD v4.1: 5 of 1,613,994 alleles (0.00031%); highest among the groups gnomAD compares: Admixed American, 0.0017%; no homozygotes.

Submissions (2):

Ambry Genetics
Classification: Uncertain significance for Familial thoracic aortic aneurysm and aortic dissection. Last evaluated: 2026-03-23. Review status: criteria provided, single submitter. Criteria: Ambry Variant Classification Scheme 2023. Collection method: clinical testing. Allele origin: germline.
Comment: The p.G1317S variant (also known as c.3949G>A), located in coding exon 20 of the MYLK gene, results from a G to A substitution at nucleotide position 3949. The glycine at codon 1317 is replaced by serine, an amino acid with similar properties. This amino acid position is conserved. In addition, the in silico prediction for this alteration is inconclusive. Based on the available evidence, the clinical significance of this variant remains unclear.

Labcorp Genetics (formerly Invitae), Labcorp
Classification: Uncertain significance for Aortic aneurysm, familial thoracic 7. Last evaluated: 2025-02-20. Review status: criteria provided, single submitter. Criteria: Invitae Variant Classification Sherloc (09022015). Collection method: clinical testing. Allele origin: germline.
Comment: This sequence change replaces glycine, which is neutral and non-polar, with serine, which is neutral and polar, at codon 1317 of the MYLK protein (p.Gly1317Ser). This variant is present in population databases (rs775014243, gnomAD 0.003%). This variant has not been reported in the literature in individuals affected with MYLK-related conditions. Invitae Evidence Modeling of protein sequence and biophysical properties (such as structural, functional, and spatial information, amino acid conservation, physicochemical variation, residue mobility, and thermodynamic stability) indicates that this missense variant is not expected to disrupt MYLK protein function with a negative predictive value of 80%. In summary, the available evidence is currently insufficient to determine the role of this variant in disease. Therefore, it has been classified as a Variant of Uncertain Significance.